The following is an entry in ClinVar:

NM_001374736.1(DST):c.3375G>A (p.Ala1125=)

Gene: DST (dystonin; minus strand). Cytogenetic location: 6p12.1.
Variant type: single nucleotide variant.
Coding change: c.3375G>A on transcript NM_001374736.1 (MANE Select); coding-DNA position 3375, G replaced by A.
Protein change: p.Ala1125=; no amino-acid change (alanine 1125 retained).
Molecular consequence: synonymous variant.
Genome position (GRCh38, 1-based): chr6:56,634,581, C>T on the plus strand (G>A on the coding strand, the complement: DST is on the minus strand). VCF-style: chr6-56634581-C-T. GRCh37 (hg19) VCF-style: chr6-56499379-C-T.
Other names: c.3276G>A, p.Ala1092= (NM_001144769.5); c.2862G>A, p.Ala954= (NM_001144770.2); c.3375G>A, p.Ala1125= (NM_001374722.1); c.2742G>A, p.Ala914= (NM_001374729.1, NM_001374730.1, NM_001386100.1 and 1 more transcripts); c.3402G>A, p.Ala1134= (NM_001374734.1); c.1764G>A, p.Ala588= (NM_001723.7, NM_015548.5).
Identifiers: ClinVar variation 357607 (VCV000357607.41), dbSNP rs149789667, ClinGen allele CA3871169.
Genomic context (GRCh38, chr6:56,634,581, plus strand): 5'-GACCATAGCCTCATTCCCAGTAGGACTAATGACCTTCCATTTAGCACGATGAGAGTTATT[C>T]GCCAAAACACATTCATCGTCTTTGTAAATGGTTATCTGGTTTAAAATAAAGAGCAGAATA-3'
Protein context (NP_001361665.1, residues 1115-1135): TIYKDDECVL[Ala1125=]NNSHRAKWKV

ClinVar aggregate classification (germline): Likely benign. Review status: criteria provided, multiple submitters, no conflicts (2 of 4 stars). 4 submissions from 4 submitters: Likely benign (4). Last evaluated 2026-05-06.

Conditions:
DST-related disorder. Also called: DST-related condition; DST-related disorders.
Hereditary sensory and autonomic neuropathy type 6. Also called: Neuropathy, hereditary sensory and autonomic, type VI; HSAN VI. Identifiers: Orphanet 314381, MedGen C3539003, MONDO:0013839, OMIM 614653.
Epidermolysis bullosa simplex 3, localized or generalized intermediate, with BP230 deficiency (EBS3). Also called: Epidermolysis bullosa simplex due to BP230 deficiency; Epidermolysis bullosa simplex, autosomal recessive 2. Identifiers: Orphanet 412181, MedGen C3809470, MONDO:0014180, OMIM 615425.

Allele frequency attached by ClinVar (database versions not stated): TOPMed 0.00010; gnomAD 0.00011 and 0.00009; 1000 Genomes Project 30x 0.00016; 1000 Genomes Project 0.00020; ExAC 0.00002; gnomAD exomes 0.00003; ESP Exome Variant Server 0.00008.
gnomAD v4.1: 67 of 1,614,098 alleles (0.0042%); highest among the groups gnomAD compares: African/African-American, 0.019%; no homozygotes.

Submissions (4):

PreventionGenetics, part of Exact Sciences
Classification: Likely benign for DST-related condition. Last evaluated: 2026-05-06. Review status: criteria provided, single submitter. Criteria: ACMG Guidelines, 2015. Collection method: clinical testing. Allele origin: germline.
Comment: This variant is classified as likely benign based on ACMG/AMP sequence variant interpretation guidelines (Richards et al. 2015 PMID: 25741868, with internal and published modifications).

Labcorp Genetics (formerly Invitae), Labcorp
Classification: Likely benign for Epidermolysis bullosa simplex 3, localized or generalized intermediate, with BP230 deficiency; Hereditary sensory and autonomic neuropathy type 6. Last evaluated: 2025-01-23. Review status: criteria provided, single submitter. Criteria: Invitae Variant Classification Sherloc (09022015). Collection method: clinical testing. Allele origin: germline.

Blueprint Genetics
Classification: Likely benign. Last evaluated: 2023-09-15. Review status: criteria provided, single submitter. Criteria: ACMG Guidelines, 2015. Collection method: clinical testing. Allele origin: germline.

CeGaT Center for Human Genetics Tuebingen
Classification: Likely benign. Last evaluated: 2022-12-01. Review status: criteria provided, single submitter. Criteria: CeGaT Center For Human Genetics Tuebingen Variant Classification Criteria Version 2. Collection method: clinical testing. Allele origin: germline. Affected: yes. Observed: 1 variant allele.
Comment: DST: BP4, BP7